The following is an entry in ClinVar:

ClinVar aggregate classification (germline): Uncertain significance. Review status: criteria provided, multiple submitters, no conflicts (2 of 4 stars). 6 submissions from 6 submitters: Uncertain significance (6). Last evaluated 2025-06-27.

Conditions:
Autosomal recessive early-onset Parkinson disease 6 (PARK6). Also called: PARKINSON DISEASE 6, MODIFIER OF; PARKINSON DISEASE 6, EARLY-ONSET; PINK1 Type of Young-Onset Parkinson Disease; PINK1-Related Parkinson Disease. Identifiers: Orphanet 2828, MedGen C1853833, MONDO:0011613, OMIM 605909.

Allele frequency attached by ClinVar (database versions not stated): gnomAD 0.00005 and 0.00006; ESP Exome Variant Server 0.00008; TOPMed 0.00008; ExAC 0.00010; gnomAD exomes 0.00010.
gnomAD v4.1: 108 of 1,614,236 alleles (0.0067%); highest among the groups gnomAD compares: Middle Eastern, 0.066%; no homozygotes.

Submissions (7):

Labcorp Genetics (formerly Invitae), Labcorp
Classification: Uncertain significance for Autosomal recessive early-onset Parkinson disease 6. Last evaluated: 2025-06-27. Review status: criteria provided, single submitter. Criteria: Invitae Variant Classification Sherloc (09022015). Collection method: clinical testing. Allele origin: germline.
Comment: This sequence change replaces leucine, which is neutral and non-polar, with valine, which is neutral and non-polar, at codon 268 of the PINK1 protein (p.Leu268Val). This variant is present in population databases (rs372280083, gnomAD 0.01%). This missense change has been observed in individual(s) with Parkinson disease (PMID: 16207217, 18330912, 33045815, 33601107, 37750340). ClinVar contains an entry for this variant (Variation ID: 374600). Invitae Evidence Modeling of protein sequence and biophysical properties (such as structural, functional, and spatial information, amino acid conservation, physicochemical variation, residue mobility, and thermodynamic stability) has been performed for this missense variant. However, the output from this modeling did not meet the statistical confidence thresholds required to predict the impact of this variant on PINK1 protein function. In summary, the available evidence is currently insufficient to determine the role of this variant in disease. Therefore, it has been classified as a Variant of Uncertain Significance.

Genomic Medicine Center of Excellence, King Faisal Specialist Hospital and Research Centre
Classification: Uncertain significance for Autosomal recessive early-onset Parkinson disease 6. Last evaluated: 2024-04-04. Review status: criteria provided, single submitter. Criteria: ACMG Guidelines, 2015. Collection method: clinical testing. Allele origin: germline.

Fulgent Genetics
Classification: Uncertain significance for Autosomal recessive early-onset Parkinson disease 6. Last evaluated: 2021-09-19. Review status: criteria provided, single submitter. Criteria: ACMG Guidelines, 2015. Collection method: clinical testing. Allele origin: unknown.

Illumina Laboratory Services, Illumina
Classification: Uncertain significance for Autosomal recessive early-onset Parkinson disease 6. Last evaluated: 2017-04-27. Review status: criteria provided, single submitter. Criteria: ICSL Variant Classification Criteria 13 December 2019. Collection method: clinical testing. Allele origin: germline.
Comment: This variant was observed as part of a predisposition screen in an ostensibly healthy population. A literature search was performed for the gene, cDNA change, and amino acid change (where applicable). Publications were found based on this search. However, the evidence from the literature, in combination with allele frequency data from public databases where available, was not sufficient to rule this variant in or out of causing disease. Therefore, this variant is classified as a variant of unknown significance.

CeGaT Center for Human Genetics Tuebingen
Classification: Uncertain significance. Last evaluated: 2016-07-01. Review status: criteria provided, single submitter. Criteria: CeGaT Center For Human Genetics Tuebingen Variant Classification Criteria Version 2. Collection method: clinical testing. Allele origin: germline. Affected: yes. Observed: 1 variant allele.

Breakthrough Genomics
Classification: Uncertain significance. Review status: criteria provided, single submitter. Criteria: ACMG Guidelines, 2015. Collection method: not provided. Allele origin: germline. Inheritance: Autosomal recessive inheritance. Affected: yes.

Dr. Peter K. Rogan Lab, Western University
No classification provided (evidence only). Condition: Lung cancer. Review status: no classification provided. Collection method: in vitro. Allele origin: not applicable. Functional consequence: skipped exon. Not counted in ClinVar's aggregate classification.

Literature cited by the submitters: PubMed 16207217 (cited by Labcorp Genetics (formerly Invitae), Labcorp and Illumina Laboratory Services, Illumina); PubMed 18330912 (cited by Labcorp Genetics (formerly Invitae), Labcorp and Illumina Laboratory Services, Illumina); PubMed 33045815 (cited by Labcorp Genetics (formerly Invitae), Labcorp); PubMed 33601107 (cited by Labcorp Genetics (formerly Invitae), Labcorp); PubMed 37750340 (cited by Labcorp Genetics (formerly Invitae), Labcorp).

NM_032409.3(PINK1):c.802C>G (p.Leu268Val)

Genes: PINK1 (PTEN induced kinase 1; plus strand), PINK1-AS (PINK1 antisense RNA; minus strand). Cytogenetic location: 1p36.12.
Variant type: single nucleotide variant.
Coding change: c.802C>G on transcript NM_032409.3 (MANE Select); coding-DNA position 802, C replaced by G.
Protein change: p.Leu268Val; replaces leucine 268 with valine.
Molecular consequence: missense variant.
Genome position (GRCh38, 1-based): chr1:20,644,515, C>G. VCF-style: chr1-20644515-C-G. GRCh37 (hg19) VCF-style: chr1-20971008-C-G.
Other names: short protein forms L268V.
Identifiers: ClinVar variation 374600 (VCV000374600.52), dbSNP rs372280083, ClinGen allele CA660544.